The following is an entry in ClinVar:

NM_000038.6(APC):c.82G>C (p.Glu28Gln)

Gene: APC (APC regulator of Wnt signaling pathway; plus strand). Cytogenetic location: 5q22.2.
Variant type: single nucleotide variant.
Coding change: c.82G>C on transcript NM_000038.6 (MANE Select); coding-DNA position 82, G replaced by C.
Protein change: p.Glu28Gln; replaces glutamic acid 28 with glutamine.
Molecular consequence: missense variant. On other transcripts: 5 prime UTR variant (4), non-coding transcript variant (2), intron variant (11).
Genome position (GRCh38, 1-based): chr5:112,754,972, G>C. VCF-style: chr5-112754972-G-C. GRCh37 (hg19) VCF-style: chr5-112090669-G-C.
Other names: c.82G>C, p.Glu28Gln (NM_001127510.3, NM_001354895.2, NM_001354896.2 and 16 more transcripts); c.-954G>C (NM_001354906.2, NM_001407470.1, NM_001407471.1 and 1 more transcripts); c.166-11354G>C (NM_001407446.1, NM_001354897.2, NM_001354902.2 and 1 more transcripts); c.-42-11354G>C (NM_001407453.1, NM_001354900.2, NM_001354901.2 and 1 more transcripts); c.61-11354G>C (NM_001407451.1, NM_001354898.2, NM_001354904.2); short protein forms E28Q.
Identifiers: ClinVar variation 3231771 (VCV003231771.1), dbSNP rs1754792844, ClinGen allele CA16021516.
Genomic context (GRCh38, chr5:112,754,972, plus strand): 5'-CAGTTGTTAAAGCAAGTTGAGGCACTGAAGATGGAGAACTCAAATCTTCGACAAGAGCTA[G>C]AAGATAATTCCAATCATCTTACAAAACTGGAAACTGAGGCATCTAATATGAAGGTATCAA-3'
Protein context (NP_000029.2, residues 18-38): MENSNLRQEL[Glu28Gln]DNSNHLTKLE

ClinVar aggregate classification (germline): Uncertain significance (1 of 4 stars; one submission).

Conditions:
Hereditary cancer-predisposing syndrome. Also called: Neoplastic Syndromes, Hereditary; Tumor predisposition; Hereditary neoplastic syndrome; Hereditary Cancer Syndrome. Identifiers: Orphanet 140162, MedGen C0027672, MeSH D009386, MONDO:0015356.

Submission:

Ambry Genetics
Classification: Uncertain significance for Hereditary cancer-predisposing syndrome. Last evaluated: 2024-01-09. Review status: criteria provided, single submitter. Criteria: Ambry Variant Classification Scheme 2023. Collection method: clinical testing. Allele origin: germline.
Comment: The p.E28Q variant (also known as c.82G>C), located in coding exon 1 of the APC gene, results from a G to C substitution at nucleotide position 82. The glutamic acid at codon 28 is replaced by glutamine, an amino acid with highly similar properties. This amino acid position is well conserved in available vertebrate species. In addition, in silico predictors for this gene do not accurately predict pathogenicity. Since supporting evidence is limited at this time, the clinical significance of this alteration remains unclear.